The following is an entry in ClinVar:

NM_004329.3(BMPR1A):c.1447G>A (p.Val483Met)

Gene: BMPR1A (bone morphogenetic protein receptor type 1A; plus strand). Cytogenetic location: 10q23.2.
Variant type: single nucleotide variant.
Coding change: c.1447G>A on transcript NM_004329.3 (MANE Select); coding-DNA position 1447, G replaced by A.
Protein change: p.Val483Met; replaces valine 483 with methionine.
Molecular consequence: missense variant.
Genome position (GRCh38, 1-based): chr10:86,923,480, G>A. VCF-style: chr10-86923480-G-A. GRCh37 (hg19) VCF-style: chr10-88683237-G-A.
Other names: short protein forms V483M.
Identifiers: ClinVar variation 1419916 (VCV001419916.6), dbSNP rs1163897191, ClinGen allele CA377463137.

ClinVar aggregate classification (germline): Uncertain significance (1 of 4 stars; one submission).

Conditions:
Juvenile polyposis syndrome (JPS). Identifiers: Orphanet 2929, MedGen C0345893, MONDO:0017380, OMIM 174900.

Allele frequency attached by ClinVar (database versions not stated): gnomAD exomes below 0.00001.
gnomAD v4.1: 4 of 1,614,206 alleles (0.00025%); highest among the groups gnomAD compares: Non-Finnish European, 0.00017%; no homozygotes.

Submission:

Labcorp Genetics (formerly Invitae), Labcorp
Classification: Uncertain significance for Juvenile polyposis syndrome. Last evaluated: 2023-12-11. Review status: criteria provided, single submitter. Criteria: Invitae Variant Classification Sherloc (09022015). Collection method: clinical testing. Allele origin: germline.
Comment: This sequence change replaces valine, which is neutral and non-polar, with methionine, which is neutral and non-polar, at codon 483 of the BMPR1A protein (p.Val483Met). This variant is present in population databases (no rsID available, gnomAD 0.0009%). This missense change has been observed in individual(s) with breast cancer (PMID: 30613976). ClinVar contains an entry for this variant (Variation ID: 1419916). Advanced modeling of protein sequence and biophysical properties (such as structural, functional, and spatial information, amino acid conservation, physicochemical variation, residue mobility, and thermodynamic stability) performed at Invitae indicates that this missense variant is not expected to disrupt BMPR1A protein function with a negative predictive value of 80%. In summary, the available evidence is currently insufficient to determine the role of this variant in disease. Therefore, it has been classified as a Variant of Uncertain Significance.

Literature cited by the submitters: PubMed 30613976.